The following is an entry in ClinVar:

ClinVar aggregate classification (germline): Uncertain significance (1 of 4 stars; one submission).

Conditions:
Joubert syndrome 15 (JBTS15). Identifiers: Orphanet 475, MedGen C3280897, MONDO:0013763, OMIM 614464.

gnomAD v4.1: 3 of 1,614,254 alleles (0.00019%); highest among the groups gnomAD compares: South Asian, 0.0011%; no homozygotes.

Submission:

Labcorp Genetics (formerly Invitae), Labcorp
Classification: Uncertain significance for Joubert syndrome 15. Last evaluated: 2022-07-15. Review status: criteria provided, single submitter. Criteria: Invitae Variant Classification Sherloc (09022015). Collection method: clinical testing. Allele origin: germline.
Comment: In summary, the available evidence is currently insufficient to determine the role of this variant in disease. Therefore, it has been classified as a Variant of Uncertain Significance. Algorithms developed to predict the effect of missense changes on protein structure and function output the following: SIFT: "Tolerated"; PolyPhen-2: "Benign"; Align-GVGD: "Class C0". The serine amino acid residue is found in multiple mammalian species, which suggests that this missense change does not adversely affect protein function. This variant has not been reported in the literature in individuals affected with CEP41-related conditions. This variant is present in population databases (rs782809600, gnomAD 0.003%). This sequence change replaces proline, which is neutral and non-polar, with serine, which is neutral and polar, at codon 359 of the CEP41 protein (p.Pro359Ser).

NM_018718.3(CEP41):c.1075C>T (p.Pro359Ser)

Gene: CEP41 (centrosomal protein 41; minus strand). Cytogenetic location: 7q32.2.
Variant type: single nucleotide variant.
Coding change: c.1075C>T on transcript NM_018718.3 (MANE Select); coding-DNA position 1075, C replaced by T.
Protein change: p.Pro359Ser; replaces proline 359 with serine.
Molecular consequence: missense variant. On other transcripts: non-coding transcript variant (1).
Genome position (GRCh38, 1-based): chr7:130,398,938, G>A on the plus strand (C>T on the coding strand, the complement: CEP41 is on the minus strand). VCF-style: chr7-130398938-G-A. GRCh37 (hg19) VCF-style: chr7-130038779-G-A.
Other names: c.859C>T, p.Pro287Ser (NM_001257158.2); c.811C>T, p.Pro271Ser (NM_001257159.2); short protein forms P287S, P271S, P359S.
Identifiers: ClinVar variation 1950743 (VCV001950743.3), dbSNP rs782809600, ClinGen allele CA4485387.